The following is an entry in ClinVar:

NM_000051.4(ATM):c.8146G>T (p.Val2716Phe)

Genes: ATM (ATM serine/threonine kinase; plus strand), C11orf65 (chromosome 11 open reading frame 65; minus strand). Cytogenetic location: 11q22.3.
Variant type: single nucleotide variant.
Coding change: c.8146G>T on transcript NM_000051.4 (MANE Select); coding-DNA position 8146, G replaced by T.
Protein change: p.Val2716Phe; replaces valine 2716 with phenylalanine.
Molecular consequence: missense variant. On other transcripts: intron variant (2).
Genome position (GRCh38, 1-based): chr11:108,335,104, G>T. VCF-style: chr11-108335104-G-T. GRCh37 (hg19) VCF-style: chr11-108205831-G-T.
Other names: p.V2716F:GTT>TTT; c.8146G>T, p.Val2716Phe (NM_001351834.2); c.641-26033C>A (NM_001330368.2); c.*38+116C>A (NM_001351110.2); short protein forms V2716F.
Identifiers: ClinVar variation 181985 (VCV000181985.9), dbSNP rs730881385, ClinGen allele CA298328.

ClinVar aggregate classification (germline): Pathogenic/Likely pathogenic. Review status: criteria provided, multiple submitters, no conflicts (2 of 4 stars). 3 submissions from 3 submitters: Pathogenic (1); Likely pathogenic (2). Last evaluated 2025-11-14.

Conditions:
Hereditary cancer-predisposing syndrome. Also called: Hereditary Cancer Syndrome; Tumor predisposition; Neoplastic Syndromes, Hereditary; Hereditary neoplastic syndrome. Identifiers: Orphanet 140162, MedGen C0027672, MeSH D009386, MONDO:0015356.

Submissions (3):

Ambry Genetics
Classification: Likely pathogenic for Hereditary cancer-predisposing syndrome. Last evaluated: 2025-11-14. Review status: criteria provided, single submitter. Criteria: Ambry Variant Classification Scheme 2023. Collection method: clinical testing. Allele origin: germline.
Comment: The p.V2716F variant (also known as c.8146G>T), located in coding exon 54 of the ATM gene, results from a G to T substitution at nucleotide position 8146. The valine at codon 2716 is replaced by phenylalanine, an amino acid with highly similar properties. This variant has been identified in the homozygous state and/or in conjunction with other ATM variant(s) in individual(s) with features consistent with ataxia telangiectasia (Hersby DS et al. J Pediatr Hematol Oncol, 2015 Mar;37:154-5; Elitzur S et al. Blood, 2024 Sep;144:1193-1205; Kim J et al. Nature, 2023 Jul;619:828-836). This amino acid position is highly conserved in available vertebrate species. In addition, this alteration is predicted to be deleterious by in silico analysis. This variant is considered to be rare based on population cohorts in the Genome Aggregation Database (gnomAD). Based on the majority of available evidence to date, this variant is likely to be pathogenic.

Center for Genomic Medicine, Rigshospitalet, Copenhagen University Hospital
Classification: Likely pathogenic. Last evaluated: 2025-03-04. Review status: criteria provided, single submitter. Criteria: ACMG Guidelines, 2015. Collection method: clinical testing. Allele origin: germline.

GeneDx
Classification: Pathogenic. Last evaluated: 2016-09-23. Review status: criteria provided, single submitter. Criteria: GeneDx Variant Classification (06012015). Collection method: clinical testing. Allele origin: germline. Affected: yes.
Comment: The V2716F variant in the ATM gene has not been reported previously as a disease-causing variant nor as a benign polymorphism, to our knowledge. However, a different missense variant at this residue (V2716A) has been reported in association with ataxia-telangiectasia (Scott et al., 2002). The V2716F variant was not observed in approximately 6,500 individuals of European and African American ancestry in the NHLBI Exome Sequencing Project, indicating it is not a common benign variant in these populations. The V2716F variant is a semi-conservative amino acid substitution, which may impact secondary protein structure as these residues differ in some properties. This substitution occurs at a position that is well-conserved across species. In silico analysis predicts this variant is probably damaging to the protein structure/function. Missense variants in nearby residues (D2708N; D2708E; R2719H; A2726V) have been reported in association with ataxia-telangiectasia, supporting the functional importance of this region of the protein. We interpret V2716F as a disease-causing variant associated with ataxia-telangiectasia.

Literature cited by the submitters: PubMed 24663073 (cited by Ambry Genetics and Center for Genomic Medicine, Rigshospitalet, Copenhagen University Hospital); PubMed 37438524 (cited by Ambry Genetics); PubMed 38917355 (cited by Ambry Genetics); PubMed 30549301 (cited by Center for Genomic Medicine, Rigshospitalet, Copenhagen University Hospital); PubMed 30322717 (cited by Center for Genomic Medicine, Rigshospitalet, Copenhagen University Hospital); PubMed 32854451 (cited by Center for Genomic Medicine, Rigshospitalet, Copenhagen University Hospital); PubMed 36446039 (cited by Center for Genomic Medicine, Rigshospitalet, Copenhagen University Hospital); PubMed 11805335 (cited by Center for Genomic Medicine, Rigshospitalet, Copenhagen University Hospital); PubMed 31050087 (cited by Center for Genomic Medicine, Rigshospitalet, Copenhagen University Hospital).